The following is an entry in ClinVar:

ClinVar aggregate classification (germline): Pathogenic (1 of 4 stars; one submission).

Submission:

Labcorp Genetics (formerly Invitae), Labcorp
Classification: Pathogenic. Last evaluated: 2020-11-26. Review status: criteria provided, single submitter. Criteria: Invitae Variant Classification Sherloc (09022015). Collection method: clinical testing. Allele origin: germline.
Comment: For these reasons, this variant has been classified as Pathogenic. This variant has not been reported in the literature in individuals with HPS3-related conditions. The frequency data for this variant in the population databases is considered unreliable, as metrics indicate insufficient coverage at this position in the ExAC database. This sequence change creates a premature translational stop signal (p.Leu67Glyfs*9) in the HPS3 gene. It is expected to result in an absent or disrupted protein product. Loss-of-function variants in HPS3 are known to be pathogenic (PMID: 11590544).

Literature cited by the submitters: PubMed 11590544.

NM_032383.5(HPS3):c.198_211del (p.Leu67fs)

Gene: HPS3 (HPS3 biogenesis of lysosomal organelles complex 2 subunit 1; plus strand). Cytogenetic location: 3q24.
Variant type: Deletion.
Coding change: c.198_211del on transcript NM_032383.5 (MANE Select); coding-DNA positions 198 to 211, 14 bases deleted (CCTGGCCTACAGCG).
Protein change: p.Leu67fs; shifts the reading frame from leucine 67.
Molecular consequence: frameshift variant.
Genome position (GRCh38, 1-based): chr3:149,129,921-149,129,934, CCTGGCCTACAGCG deleted; deleting any 14 consecutive bases within chr3:149,129,918-149,129,934 gives the same sequence; the c. name uses the placement nearest the transcript's 3' end. VCF-style (leftmost placement, unchanged base first): chr3-149129917-TGCGCCTGGCCTACA-T. GRCh37 (hg19) VCF-style: chr3-148847704-TGCGCCTGGCCTACA-T.
Other names: c.198_211del, p.Leu67fs (NM_001308258.2); short protein forms L67fs.
Identifiers: ClinVar variation 1452983 (VCV001452983.6), dbSNP rs2108112449, ClinGen allele CA2573136643.